The following is an entry in ClinVar:

ClinVar aggregate classification (germline): Uncertain significance (1 of 4 stars; one submission).

Conditions:
Immunodeficiency 35 (IMD35). Also called: TYK2 DEFICIENCY; Susceptibility to infection due to TYK2 deficiency; HIES WITH ATYPICAL MYCOBACTERIOSIS, AUTOSOMAL RECESSIVE; HYPER-IgE SYNDROME WITH ATYPICAL MYCOBACTERIOSIS, AUTOSOMAL RECESSIVE. Identifiers: Orphanet 331226, MedGen C1969086, MONDO:0012682, OMIM 611521.

Submission:

Labcorp Genetics (formerly Invitae), Labcorp
Classification: Uncertain significance for Immunodeficiency 35. Last evaluated: 2021-08-09. Review status: criteria provided, single submitter. Criteria: Invitae Variant Classification Sherloc (09022015). Collection method: clinical testing. Allele origin: germline.
Comment: This sequence change replaces valine with phenylalanine at codon 237 of the TYK2 protein (p.Val237Phe). The valine residue is highly conserved and there is a small physicochemical difference between valine and phenylalanine. This variant is not present in population databases (ExAC no frequency). This variant has not been reported in the literature in individuals affected with TYK2-related conditions. Algorithms developed to predict the effect of missense changes on protein structure and function are either unavailable or do not agree on the potential impact of this missense change (SIFT: "Not Available"; PolyPhen-2: "Possibly Damaging"; Align-GVGD: "Not Available"). In summary, the available evidence is currently insufficient to determine the role of this variant in disease. Therefore, it has been classified as a Variant of Uncertain Significance.

NM_003331.5(TYK2):c.709G>T (p.Val237Phe)

Gene: TYK2 (tyrosine kinase 2; minus strand). Cytogenetic location: 19p13.2.
Variant type: single nucleotide variant.
Coding change: c.709G>T on transcript NM_003331.5 (MANE Select); coding-DNA position 709, G replaced by T.
Protein change: p.Val237Phe; replaces valine 237 with phenylalanine.
Molecular consequence: missense variant. On other transcripts: intron variant (1).
Genome position (GRCh38, 1-based): chr19:10,365,819, C>A on the plus strand (G>T on the coding strand, the complement: TYK2 is on the minus strand). VCF-style: chr19-10365819-C-A. GRCh37 (hg19) VCF-style: chr19-10476495-C-A.
Other names: c.709G>T, p.Val237Phe (NM_001385197.1, NM_001385198.1, NM_001385199.1 and 7 more transcripts); c.630-11G>T (NM_001385205.1); short protein forms V237F.
Identifiers: ClinVar variation 1487131 (VCV001487131.1), dbSNP rs369423520, ClinGen allele CA404017290.
Genomic context (GRCh38, chr19:10,365,819, plus strand): 5'-CCATGACCATCTGCTGGGAGAGTCGGCCCGGCTGGAAGTCCCGCAGGAACCTGCGGAAGA[C>A]GTTCCGAAGGCGCAGCCGGGTCAGGGCGCTGTGCTGCCGGATATGCCGGCGGAAGGAGCG-3'
Protein context (NP_003322.3, residues 227-247): SALTRLRLRN[Val237Phe]FRRFLRDFQP